The following is an entry in ClinVar:

ClinVar aggregate classification (germline): Conflicting classifications of pathogenicity. Review status: criteria provided, conflicting classifications (1 of 4 stars). 2 submissions from 1 submitter: Uncertain significance (1); Likely benign (1). Last evaluated 2018-01-12.

Conditions:
Susceptibility to mononeuropathy of the median nerve, mild. Also called: CARPAL TUNNEL SYNDROME, SUSCEPTIBILITY TO. Identifiers: MedGen C3150596, MONDO:0013237, OMIM 613353.
Charcot-Marie-Tooth disease type 4C (CMT4C). Also called: CHARCOT-MARIE-TOOTH DISEASE, DEMYELINATING, AUTOSOMAL RECESSIVE, TYPE 4C; CMT 4C; Charcot-Marie-Tooth Neuropathy Type 4C (CMT4C); CHARCOT-MARIE-TOOTH DISEASE, DEMYELINATING, TYPE 4C; SH3TC2-Related Hereditary Motor and Sensory Neuropathy. Identifiers: Orphanet 99949, MedGen C1866636, MONDO:0011113, OMIM 601596.

Allele frequency attached by ClinVar (database versions not stated): gnomAD 0.00013 and 0.00015; TOPMed 0.00028; 1000 Genomes Project 30x 0.00031; 1000 Genomes Project 0.00040.

Submissions (2):

Illumina Laboratory Services, Illumina
Classification: Uncertain significance for Charcot-Marie-Tooth disease type 4C. Last evaluated: 2018-01-12. Review status: criteria provided, single submitter. Criteria: ICSL Variant Classification Criteria 13 December 2019. Collection method: clinical testing. Allele origin: germline.

Illumina Laboratory Services, Illumina
Classification: Likely benign for Susceptibility to mononeuropathy of the median nerve, mild. Last evaluated: 2018-01-12. Review status: criteria provided, single submitter. Criteria: ICSL Variant Classification Criteria 13 December 2019. Collection method: clinical testing. Allele origin: germline.
Comment: This variant was observed in the ICSL laboratory as part of a predisposition screen in an ostensibly healthy population. It had not been previously curated by ICSL or reported in the Human Gene Mutation Database (HGMD: prior to June 1st, 2018), and was therefore a candidate for classification through an automated scoring system. Utilizing variant allele frequency, disease prevalence and penetrance estimates, and inheritance mode, an automated score was calculated to assess if this variant is too frequent to cause the disease. Based on the score and internal cut-off values, a variant classified as likely benign is not then subjected to further curation. The score for this variant resulted in a classification of likely benign for this disease.

NM_024577.4(SH3TC2):c.*2500C>A

Gene: SH3TC2 (SH3 domain and tetratricopeptide repeats 2; minus strand). Cytogenetic location: 5q32.
Variant type: single nucleotide variant.
Coding change: c.*2500C>A on transcript NM_024577.4 (MANE Select); 2500 bases downstream of the stop codon, C replaced by A.
Molecular consequence: 3 prime UTR variant.
Genome position (GRCh38, 1-based): chr5:149,002,211, G>T on the plus strand (C>A on the coding strand, the complement: SH3TC2 is on the minus strand). VCF-style: chr5-149002211-G-T. GRCh37 (hg19) VCF-style: chr5-148381774-G-T.
Identifiers: ClinVar variation 351852 (VCV000351852.5), dbSNP rs559833500, ClinGen allele CA10619575.